The following is an entry in ClinVar:

ClinVar aggregate classification (germline): Pathogenic (1 of 4 stars; one submission).

Conditions:
Neurofibromatosis, type 1 (NF1). Also called: VON RECKLINGHAUSEN DISEASE; Neurofibromatosis, type I; NEUROFIBROMATOSIS, TYPE I, SOMATIC; Peripheral type neurofibromatosis. Identifiers: Orphanet 636, MedGen C0027831, MONDO:0018975, OMIM 162200. Disease mechanism: loss of function.

Submission:

Labcorp Genetics (formerly Invitae), Labcorp
Classification: Pathogenic for Neurofibromatosis, type 1. Last evaluated: 2024-06-07. Review status: criteria provided, single submitter. Criteria: Invitae Variant Classification Sherloc (09022015). Collection method: clinical testing. Allele origin: germline.
Comment: This sequence change creates a premature translational stop signal (p.Leu1029Argfs*9) in the NF1 gene. It is expected to result in an absent or disrupted protein product. Loss-of-function variants in NF1 are known to be pathogenic (PMID: 10712197, 23913538). This variant is not present in population databases (gnomAD no frequency). This variant has not been reported in the literature in individuals affected with NF1-related conditions. For these reasons, this variant has been classified as Pathogenic.

Literature cited by the submitters: PubMed 10712197; PubMed 23913538.

NM_001042492.3(NF1):c.3058_3085dup (p.Leu1029delinsArgSerAsnAspGlyLysGluArgTer)

Gene: NF1 (neurofibromin 1; plus strand). Cytogenetic location: 17q11.2.
Variant type: Duplication.
Coding change: c.3058_3085dup on transcript NM_001042492.3 (MANE Select); coding-DNA positions 3058 to 3085, 28 bases duplicated (GAAGTAATGATGGCAAGGAGAGATGACC).
Protein change: p.Leu1029delinsArgSerAsnAspGlyLysGluArgTer.
Molecular consequence: nonsense. On other transcripts: frameshift variant (1).
Genome position (GRCh38, 1-based): chr17:31,230,327-31,230,354, GAAGTAATGATGGCAAGGAGAGATGACC duplicated. VCF-style (leftmost placement, unchanged base first): chr17-31230326-T-TGAAGTAATGATGGCAAGGAGAGATGACC. GRCh37 (hg19) VCF-style: chr17-29557344-T-TGAAGTAATGATGGCAAGGAGAGATGACC.
Other names: c.3058_3085dup, p.Leu1029Argfs (NM_000267.4).
Identifiers: ClinVar variation 2770821 (VCV002770821.3), dbSNP rs2508206268, ClinGen allele CA2697559773.
Genomic context (GRCh38, chr17:31,230,326, plus strand): 5'-TCGTGTGCTTGGGAATATGGTCCATGCAATTCAAATAAAAACGAAACTGTGTCAATTAGT[T>TGAAGTAATGATGGCAAGGAGAGATGACC]GAAGTAATGATGGCAAGGAGAGATGACCTCTCATTTTGCCAAGAGATGAAATTTAGGTGA-3'